The following is an entry in ClinVar:

NM_001400225.1(MGA):c.2701C>G (p.Gln901Glu)

Gene: MGA (MAX dimerization protein MGA; plus strand). Cytogenetic location: 15q15.1.
Variant type: single nucleotide variant.
Coding change: c.2701C>G on transcript NM_001400225.1 (MANE Select); coding-DNA position 2701, C replaced by G.
Protein change: p.Gln901Glu; replaces glutamine 901 with glutamic acid.
Molecular consequence: missense variant.
Genome position (GRCh38, 1-based): chr15:41,710,966, C>G. VCF-style: chr15-41710966-C-G. GRCh37 (hg19) VCF-style: chr15-42003164-C-G.
Other names: c.2701C>G, p.Gln901Glu (NM_001080541.3, NM_001164273.2, NM_001400242.1); short protein forms Q901E.
Identifiers: ClinVar variation 4690210 (VCV004690210.1).

ClinVar aggregate classification (germline): Uncertain significance (1 of 4 stars; one submission).

Submission:

GeneDx
Classification: Uncertain significance. Last evaluated: 2025-08-01. Review status: criteria provided, single submitter. Criteria: GeneDx Variant Classification Process June 2021. Collection method: clinical testing. Allele origin: germline. Affected: yes.
Comment: Not observed at significant frequency in large population cohorts (gnomAD); In silico analysis suggests that this missense variant does not alter protein structure/function; Has not been previously published as pathogenic or benign to our knowledge